The following is an entry in ClinVar:

ClinVar aggregate classification (germline): Uncertain significance. Review status: criteria provided, multiple submitters, no conflicts (2 of 4 stars). 2 submissions from 2 submitters: Uncertain significance (2). Last evaluated 2025-10-02.

Conditions:
Inborn genetic diseases. Identifiers: MedGen C0950123, MeSH D030342.

Allele frequency attached by ClinVar (database versions not stated): gnomAD exomes below 0.00001.
gnomAD v4.1: 7 of 1,614,194 alleles (0.00043%); highest among the groups gnomAD compares: East Asian, 0.011%; no homozygotes.

Submissions (2):

Ambry Genetics
Classification: Uncertain significance for Inborn genetic diseases. Last evaluated: 2025-10-02. Review status: criteria provided, single submitter. Criteria: Ambry Variant Classification Scheme 2023. Collection method: clinical testing. Allele origin: germline.

Labcorp Genetics (formerly Invitae), Labcorp
Classification: Uncertain significance. Last evaluated: 2024-02-24. Review status: criteria provided, single submitter. Criteria: Invitae Variant Classification Sherloc (09022015). Collection method: clinical testing. Allele origin: germline.
Comment: This sequence change replaces asparagine, which is neutral and polar, with lysine, which is basic and polar, at codon 319 of the GSN protein (p.Asn319Lys). This variant is not present in population databases (gnomAD no frequency). This variant has not been reported in the literature in individuals affected with GSN-related conditions. ClinVar contains an entry for this variant (Variation ID: 1362825). Advanced modeling of protein sequence and biophysical properties (such as structural, functional, and spatial information, amino acid conservation, physicochemical variation, residue mobility, and thermodynamic stability) performed at Invitae indicates that this missense variant is not expected to disrupt GSN protein function with a negative predictive value of 80%. In summary, the available evidence is currently insufficient to determine the role of this variant in disease. Therefore, it has been classified as a Variant of Uncertain Significance.

NM_198252.3(GSN):c.804C>A (p.Asn268Lys)

Gene: GSN (gelsolin; plus strand). Cytogenetic location: 9q33.2.
Variant type: single nucleotide variant.
Coding change: c.804C>A on transcript NM_198252.3 (MANE Select); coding-DNA position 804, C replaced by A.
Protein change: p.Asn268Lys; replaces asparagine 268 with lysine.
Molecular consequence: missense variant.
Genome position (GRCh38, 1-based): chr9:121,317,136, C>A. VCF-style: chr9-121317136-C-A. GRCh37 (hg19) VCF-style: chr9-124079414-C-A.
Other names: c.957C>A, p.Asn319Lys (NM_000177.5); c.804C>A, p.Asn268Lys (NM_001127662.2, NM_001127664.2, NM_001127665.2 and 10 more transcripts); c.912C>A, p.Asn304Lys (NM_001127663.2); c.837C>A, p.Asn279Lys (NM_001127666.2, NM_001127667.2, NM_001353070.2 and 13 more transcripts); c.855C>A, p.Asn285Lys (NM_001258029.2); c.828C>A, p.Asn276Lys (NM_001258030.2); c.876C>A, p.Asn292Lys (NM_001353076.2); c.150C>A, p.Asn50Lys (NM_001353078.2); and 1 more; short protein forms N276K, N304K, N279K, N268K, N285K, N319K, N292K, N50K.
Identifiers: ClinVar variation 1362825 (VCV001362825.7), dbSNP rs2061807337, ClinGen allele CA374743395.